The following is an entry in ClinVar:

ClinVar aggregate classification (germline): Uncertain significance (1 of 4 stars; one submission).

Conditions:
Cardiovascular phenotype. Identifiers: MedGen CN230736.

Submission:

Ambry Genetics
Classification: Uncertain significance for Cardiovascular phenotype. Last evaluated: 2020-01-14. Review status: criteria provided, single submitter. Criteria: Ambry Variant Classification Scheme 2023. Collection method: clinical testing. Allele origin: germline.
Comment: The p.R1013* variant (also known as c.3037A>T), located in coding exon 27 of the ANK2 gene, results from an A to T substitution at nucleotide position 3037. This changes the amino acid from an arginine to a stop codon within coding exon 27. This alteration is expected to result in loss of function by premature protein truncation or nonsense-mediated mRNA decay. However, loss of function of ANK2 has not been clearly established as a mechanism of disease. Since supporting evidence is limited at this time, the clinical significance of this alteration remains unclear.

NM_001148.6(ANK2):c.3037A>T (p.Arg1013Ter)

Gene: ANK2 (ankyrin 2; plus strand). Cytogenetic location: 4q26.
Variant type: single nucleotide variant.
Coding change: c.3037A>T on transcript NM_001148.6 (MANE Select); coding-DNA position 3037, A replaced by T.
Protein change: p.Arg1013Ter; replaces arginine 1013 with a stop codon.
Molecular consequence: nonsense.
Genome position (GRCh38, 1-based): chr4:113,330,382, A>T. VCF-style: chr4-113330382-A-T. GRCh37 (hg19) VCF-style: chr4-114251538-A-T.
Other names: c.2986A>T, p.Arg996Ter (NM_001354254.2); c.2974A>T, p.Arg992Ter (NM_001354255.2, NM_001354262.2, NM_001354275.2 and 3 more transcripts); c.2971A>T, p.Arg991Ter (NM_001354256.2, NM_001354244.2, NM_001386161.1); c.2875A>T, p.Arg959Ter (NM_001354257.2, NM_001386156.1); c.3037A>T, p.Arg1013Ter (NM_001354258.2, NM_001354228.2, NM_020977.5); c.2851A>T, p.Arg951Ter (NM_001354260.2, NM_001354271.2, NM_001386151.1); c.2995A>T, p.Arg999Ter (NM_001354261.2, NM_001386147.1); c.2836A>T, p.Arg946Ter (NM_001354273.2); and 23 more; short protein forms R1008*, R1012*, R1025*, R1028*, R1032*, R1060*, R885*, R979*.
Identifiers: ClinVar variation 1799097 (VCV001799097.2), dbSNP rs1215875862, ClinGen allele CA357935177.
Genomic context (GRCh38, chr4:113,330,382, plus strand): 5'-ATTCCACCTCGGAAATGTACTGCTCCAACGCGAGTCACCTGCCGACTGGTCAAGCGCCAC[A>T]GACTGGCAACAATGCCTCCAATGGTGGAAGGAGAAGGCCTGGCCAGTCGCCTGATCGAAG-3'